The following is an entry in ClinVar:

ClinVar aggregate classification (germline): Benign. Review status: criteria provided, multiple submitters, no conflicts (2 of 4 stars). 8 submissions from 7 submitters: Benign (6). 2 of the submissions do not count toward it. Last evaluated 2024-11-28.

Conditions:
Leigh syndrome (NULS). Also called: Leigh Disease; Subacute necrotizing encephalopathy; Necrotizing encephalopathy infantile subacute of Leigh; Leigh Syndrome (mtDNA deletion); Leigh's necrotizing encephalopathy; Leigh's disease. Identifiers: Orphanet 506, MedGen C2931891, MONDO:0009723, OMIM 256000.
Mitochondrial complex IV deficiency, nuclear type 1 (MC4DN1). Also called: Mitochondrial complex IV deficiency; Complex 4 mitochondrial respiratory chain deficiency; Deficiency of mitochondrial respiratory chain complex4; Complex IV deficiency; COX DEFICIENCY. Identifiers: MedGen C5435656, MONDO:0700250, OMIM 220110. Disease mechanism: loss of function.

Allele frequency attached by ClinVar (database versions not stated): 1000 Genomes Project 30x 0.54060; 1000 Genomes Project 0.54832; ESP Exome Variant Server 0.55344; TOPMed 0.55510; gnomAD 0.55696 and 0.55890; ExAC 0.58497; gnomAD exomes 0.58696 and 0.58906.
gnomAD v4.1: 944,231 of 1,611,018 alleles (59%); highest among the groups gnomAD compares: South Asian, 60%; 277,809 homozygotes.

Submissions (8):

Blueprint Genetics
Classification: Benign. Last evaluated: 2024-11-28. Review status: criteria provided, single submitter. Criteria: ACMG Guidelines, 2015. Collection method: clinical testing. Allele origin: germline.

Mayo Clinic Laboratories, Mayo Clinic
Classification: Benign. Last evaluated: 2022-10-27. Review status: criteria provided, single submitter. Criteria: ACMG Guidelines, 2015. Collection method: clinical testing. Allele origin: germline. Observed: 1,969 variant alleles.

Illumina Laboratory Services, Illumina
Classification: Benign for Leigh syndrome. Last evaluated: 2018-01-13. Review status: criteria provided, single submitter. Criteria: ICSL Variant Classification Criteria 13 December 2019. Collection method: clinical testing. Allele origin: germline.
Comment: This variant was observed in the ICSL laboratory as part of a predisposition screen in an ostensibly healthy population. It had not been previously curated by ICSL or reported in the Human Gene Mutation Database (HGMD: prior to June 1st, 2018), and was therefore a candidate for classification through an automated scoring system. Utilizing variant allele frequency, disease prevalence and penetrance estimates, and inheritance mode, an automated score was calculated to assess if this variant is too frequent to cause the disease. Based on the score and internal cut-off values, a variant classified as benign is not then subjected to further curation. The score for this variant resulted in a classification of benign for this disease.

Illumina Laboratory Services, Illumina
Classification: Benign for Mitochondrial complex IV deficiency, nuclear type 1. Last evaluated: 2018-01-13. Review status: criteria provided, single submitter. Criteria: ICSL Variant Classification Criteria 13 December 2019. Collection method: clinical testing. Allele origin: germline.
Comment: the same text as in the submission from Illumina Laboratory Services, Illumina above.

GeneDx
Classification: Benign. Last evaluated: 2011-07-06. Review status: criteria provided, single submitter. Criteria: GeneDx Variant Classification (06012015). Collection method: clinical testing. Allele origin: germline. Affected: yes.
Comment: This variant is considered likely benign or benign based on one or more of the following criteria: it is a conservative change, it occurs at a poorly conserved position in the protein, it is predicted to be benign by multiple in silico algorithms, and/or has population frequency not consistent with disease.

Breakthrough Genomics
Classification: Benign. Review status: criteria provided, single submitter. Criteria: ACMG Guidelines, 2015. Collection method: not provided. Allele origin: germline. Inheritance: Autosomal recessive inheritance. Affected: yes.

Clinical Genetics, Academic Medical Center
Classification: Benign. Review status: no assertion criteria provided. Collection method: clinical testing. Allele origin: germline. Affected: yes. Study: VKGL Data-share Consensus. Not counted in ClinVar's aggregate classification.

Diagnostic Laboratory, Department of Genetics, University Medical Center Groningen
Classification: Benign. Review status: no assertion criteria provided. Collection method: clinical testing. Allele origin: germline. Affected: yes. Study: VKGL Data-share Consensus. Not counted in ClinVar's aggregate classification.

NM_001303.4(COX10):c.699A>G (p.Pro233=)

Genes: COX10 (cytochrome c oxidase assembly factor heme A:farnesyltransferase COX10; plus strand), LOC105943586 (distal CMT1A-REP; plus strand). Cytogenetic location: 17p12.
Variant type: single nucleotide variant.
Coding change: c.699A>G on transcript NM_001303.4 (MANE Select); coding-DNA position 699, A replaced by G.
Protein change: p.Pro233=; no amino-acid change (proline 233 retained).
Molecular consequence: synonymous variant.
Genome position (GRCh38, 1-based): chr17:14,191,992, A>G. VCF-style: chr17-14191992-A-G. GRCh37 (hg19) VCF-style: chr17-14095309-A-G.
Other names: p.P233P:CCA>CCG; p.Pro233=.
Identifiers: ClinVar variation 136995 (VCV000136995.11), dbSNP rs2230354, ClinGen allele CA290455.